The following is an entry in ClinVar:

NM_001009944.3(PKD1):c.2552_2553del (p.Ser851fs)

Gene: PKD1 (polycystin 1, transient receptor potential channel interacting; minus strand). Cytogenetic location: 16p13.3.
Variant type: Microsatellite.
Coding change: c.2552_2553del on transcript NM_001009944.3 (MANE Select); coding-DNA positions 2552 to 2553, 2 bases deleted (CT; older notation c.2552_2553delCT).
Protein change: p.Ser851fs; shifts the reading frame from serine 851.
Molecular consequence: frameshift variant.
Genome position (GRCh38, 1-based): chr16:2,114,470-2,114,471, AG deleted on the plus strand (CT on the coding strand, the reverse complement: PKD1 is on the minus strand); deleting any 2 consecutive bases within chr16:2,114,470-2,114,473 gives the same sequence; the c. name uses the placement nearest the transcript's 3' end. VCF-style (leftmost placement, unchanged base first): chr16-2114469-CAG-C. GRCh37 (hg19) VCF-style: chr16-2164470-CAG-C.
Other names: c.2552_2553del, p.Ser851fs (NM_000296.4); c.2550_2551CT[1], p.Ser851Trpfs (NM_001009944.2); c.2552_2553delCT (NM_001009944.2, NM_001009944.3); short protein forms S851fs.
Identifiers: ClinVar variation 3254764 (VCV003254764.2), dbSNP rs2544853323.

ClinVar aggregate classification (germline): Pathogenic. Review status: criteria provided, multiple submitters, no conflicts (2 of 4 stars). 2 submissions from 2 submitters: Pathogenic (2). Last evaluated 2024-10-03.

Conditions:
Autosomal dominant polycystic kidney disease. Identifiers: Orphanet 730, MedGen C0085413, MONDO:0004691.
Polycystic kidney disease, adult type (PKD1). Also called: Polycystic Kidney Disease 1, Autosomal Dominant; Polycystic kidney disease 1; Polycystic kidney disease 1, severe; POLYCYSTIC KIDNEY DISEASE 1 WITH OR WITHOUT POLYCYSTIC LIVER DISEASE; POLYCYSTIC KIDNEY DISEASE, ADULT, TYPE I; Polycystic Kidney, Autosomal Dominant. Identifiers: MedGen C3149841, MONDO:0008263, OMIM 173900.

Submissions (2):

Molecular Genetics, Royal Melbourne Hospital
Classification: Pathogenic for Autosomal dominant polycystic kidney disease. Last evaluated: 2024-10-03. Review status: criteria provided, single submitter. Criteria: ACMG Guidelines, 2015. Collection method: clinical testing. Allele origin: germline. Inheritance: Autosomal dominant inheritance. Affected: yes.
Comment: This sequence change in PKD1 is a frameshift variant predicted to create a premature stop codon, p.(Ser851Trpfs*20), in biologically relevant exon 11/46 leading to nonsense-mediated decay in a gene in which loss-of-function is an established disease mechanism (PMID: 25491204, 24694054, 29529603). This variant is absent from the population database gnomAD v4.1. This variant has been reported in at least one individual with a clinical diagnosis of autosomal dominant polycystic kidney disease (PMID: 27165007). Based on the classification scheme RMH Modified ACMG/AMP Guidelines v1.7.0, this variant is classified as PATHOGENIC. Following criteria are met: PVS1, PM2_Supporting, PS4_Supporting

Victorian Clinical Genetics Services, Murdoch Childrens Research Institute
Classification: Pathogenic for Polycystic kidney disease, adult type. Last evaluated: 2023-12-21. Review status: criteria provided, single submitter. Criteria: ACMG Guidelines, 2015. Collection method: clinical testing. Allele origin: germline. Inheritance: Autosomal dominant inheritance. Affected: yes.
Comment: Based on the classification scheme VCGS_Germline_v1.3.4, this variant is classified as Pathogenic. Following criteria are met: 0102 - Loss of function is a known mechanism of disease in this gene and is associated with polycystic kidney disease 1 (MIM#173900). (I) 0107 - This gene is associated with autosomal dominant disease. Polycystic kidney disease 1 (MIM#173900) is predominantly caused by monoallelic variants, with rare reports of biallelic variants causing disease (OMIM). (I) 0201 - Variant is predicted to cause nonsense-mediated decay (NMD) and loss of protein (premature termination codon is located at least 54 nucleotides upstream of the final exon-exon junction). (SP) 0251 - This variant is heterozygous. (I) 0301 - Variant is absent from gnomAD (both v2 and v3). (SP) 0701 - Other null variants comparable to the one identified in this case have very strong previous evidence for pathogenicity. There are at least ten NMD-predicted variants that have been classified as likely pathogenic or pathogenic (DECIPHER). (SP) 0803 - This variant has limited previous evidence of pathogenicity in an unrelated individual. This variant has been reported once in an individual with autosomal dominant polycystic kidney disease (PMID: 27165007). (SP) 0905- No published segregation evidence has been identified for this variant. (I) 1007 - No published functional evidence has been identified for this variant. (I) 1208 - Inheritance information for this variant is not currently available in this individual. (I) Legend: (SP) - Supporting pathogenic, (I) - Information, (SB) - Supporting benign

Literature cited by the submitters: PubMed 24694054 (cited by Molecular Genetics, Royal Melbourne Hospital); PubMed 25491204 (cited by Molecular Genetics, Royal Melbourne Hospital); PubMed 27165007 (cited by Molecular Genetics, Royal Melbourne Hospital and Victorian Clinical Genetics Services, Murdoch Childrens Research Institute); PubMed 29529603 (cited by Molecular Genetics, Royal Melbourne Hospital).